The following is an entry in ClinVar:

ClinVar aggregate classification (germline): Likely benign (0 of 4 stars; one submission).

Conditions:
GRIK5-related disorder. Also called: GRIK5-related condition.

Allele frequency attached by ClinVar (database versions not stated): gnomAD 0.00003; gnomAD exomes 0.00012; TOPMed 0.00015; 1000 Genomes Project 30x 0.00016; 1000 Genomes Project 0.00020; ExAC 0.00021.
gnomAD v4.1: 76 of 1,614,140 alleles (0.0047%); highest among the groups gnomAD compares: Admixed American, 0.12%; no homozygotes.

Submission:

PreventionGenetics, part of Exact Sciences
Classification: Likely benign for GRIK5-related condition. Last evaluated: 2022-02-28. Review status: no assertion criteria provided. Collection method: clinical testing. Allele origin: germline.
Comment: This variant is classified as likely benign based on ACMG/AMP sequence variant interpretation guidelines (Richards et al. 2015 PMID: 25741868, with internal and published modifications).

NM_002088.5(GRIK5):c.782C>T (p.Ser261Phe)

Gene: GRIK5 (glutamate ionotropic receptor kainate type subunit 5; minus strand). Cytogenetic location: 19q13.2.
Variant type: single nucleotide variant.
Coding change: c.782C>T on transcript NM_002088.5 (MANE Select); coding-DNA position 782, C replaced by T.
Protein change: p.Ser261Phe; replaces serine 261 with phenylalanine.
Molecular consequence: missense variant.
Genome position (GRCh38, 1-based): chr19:42,056,783, G>A on the plus strand (C>T on the coding strand, the complement: GRIK5 is on the minus strand). VCF-style: chr19-42056783-G-A. GRCh37 (hg19) VCF-style: chr19-42560935-G-A.
Other names: c.782C>T, p.Ser261Phe (NM_001301030.2); short protein forms S261F.
Identifiers: ClinVar variation 3035543 (VCV003035543.2), dbSNP rs192825138, ClinGen allele CA9468607.